The following is an entry in ClinVar:

NM_001352027.3(PHF21A):c.1704_1705del (p.Lys569fs)

Gene: PHF21A (PHD finger protein 21A; minus strand). Cytogenetic location: 11p11.2.
Variant type: Deletion.
Coding change: c.1704_1705del on transcript NM_001352027.3 (MANE Select); coding-DNA positions 1704 to 1705, 2 bases deleted (GA; older notation c.1704_1705delGA).
Protein change: p.Lys569fs; shifts the reading frame from lysine 569.
Molecular consequence: frameshift variant. On other transcripts: non-coding transcript variant (2).
Genome position (GRCh38, 1-based): chr11:45,935,719-45,935,720, TC deleted on the plus strand (GA on the coding strand, the reverse complement: PHF21A is on the minus strand); deleting any 2 consecutive bases within chr11:45,935,719-45,935,721 gives the same sequence; the c. name uses the placement nearest the transcript's 3' end. VCF-style (leftmost placement, unchanged base first): chr11-45935718-TTC-T. GRCh37 (hg19) VCF-style: chr11-45957269-TTC-T.
Other names: c.1701_1702del, p.Lys568fs (NM_001101802.3); c.1704_1705del, p.Lys569fs (NM_001352025.3, NM_001352026.3); c.1563_1564del, p.Lys522fs (NM_001352028.1, NM_001352029.1, NM_016621.5); c.1560_1561del, p.Lys521fs (NM_001352030.3, NM_001352031.3, NM_001352032.3); short protein forms K521fs, K522fs, K568fs, K569fs.
Identifiers: ClinVar variation 1302159 (VCV001302159.7), dbSNP rs2135027632, ClinGen allele CA2573053502.

ClinVar aggregate classification (germline): Conflicting classifications of pathogenicity. Review status: criteria provided, conflicting classifications (1 of 4 stars). 3 submissions from 3 submitters: Pathogenic (1); Uncertain significance (1). 1 of the submissions does not count toward it. Last evaluated 2022-09-17.

Conditions:
Intellectual developmental disorder with behavioral abnormalities and craniofacial dysmorphism with or without seizures. Identifiers: MedGen C5231476, MONDO:0032883, OMIM 618725.

Submissions (3):

Labcorp Genetics (formerly Invitae), Labcorp
Classification: Pathogenic. Last evaluated: 2022-09-17. Review status: criteria provided, single submitter. Criteria: Invitae Variant Classification Sherloc (09022015). Collection method: clinical testing. Allele origin: germline.
Comment: For these reasons, this variant has been classified as Pathogenic. ClinVar contains an entry for this variant (Variation ID: 1302159). This variant has not been reported in the literature in individuals affected with PHF21A-related conditions. This variant is not present in population databases (gnomAD no frequency). This sequence change creates a premature translational stop signal (p.Lys568Valfs*3) in the PHF21A gene. It is expected to result in an absent or disrupted protein product. Loss-of-function variants in PHF21A are known to be pathogenic (PMID: 30487643).

GeneDx
Classification: Uncertain significance. Last evaluated: 2019-06-26. Review status: criteria provided, single submitter. Criteria: GeneDx Variant Classification Process June 2021. Collection method: clinical testing. Allele origin: germline. Affected: yes.
Comment: Not observed in large population cohorts (Lek et al., 2016); Frameshift variant predicted to result in protein truncation or nonsense mediated decay in a gene for which loss-of-function is not a known mechanism of disease; Has not been previously published as pathogenic or benign to our knowledge

Department of Rehabilitation, Anhui Provincial Children's Hospital
Classification: Likely pathogenic for Intellectual developmental disorder with behavioral abnormalities and craniofacial dysmorphism with or without seizures. Last evaluated: 2023-01-31. Review status: no assertion criteria provided. Collection method: clinical testing. Allele origin: unknown. Affected: yes. Not counted in ClinVar's aggregate classification.
Comment: The c.1704_1705del variant in the PHF21A gene is a frameshift mutation that may result in premature termination of polypeptide synthesis, potentially disrupting gene function.

Literature cited by the submitters: PubMed 30487643 (cited by Labcorp Genetics (formerly Invitae), Labcorp).